The following is an entry in ClinVar:

ClinVar aggregate classification (germline): Uncertain significance. Review status: criteria provided, multiple submitters, no conflicts (2 of 4 stars). 2 submissions from 2 submitters: Uncertain significance (2). Last evaluated 2025-02-15.

Conditions:
Inborn genetic diseases. Identifiers: MedGen C0950123, MeSH D030342.

Submissions (2):

Ambry Genetics
Classification: Uncertain significance for Inborn genetic diseases. Last evaluated: 2025-02-15. Review status: criteria provided, single submitter. Criteria: Ambry Variant Classification Scheme 2023. Collection method: clinical testing. Allele origin: germline.
Comment: The p.G26A variant (also known as c.77G>C), located in coding exon 1 of the KDM1A gene, results from a G to C substitution at nucleotide position 77. The glycine at codon 26 is replaced by alanine, an amino acid with similar properties. This amino acid position is conserved. In addition, this alteration is predicted to be tolerated by in silico analysis. Based on the available evidence, the clinical significance of this variant remains unclear.

Labcorp Genetics (formerly Invitae), Labcorp
Classification: Uncertain significance. Last evaluated: 2022-09-27. Review status: criteria provided, single submitter. Criteria: Invitae Variant Classification Sherloc (09022015). Collection method: clinical testing. Allele origin: germline.
Comment: This variant has not been reported in the literature in individuals affected with KDM1A-related conditions. This variant is not present in population databases (gnomAD no frequency). This sequence change replaces glycine, which is neutral and non-polar, with alanine, which is neutral and non-polar, at codon 26 of the KDM1A protein (p.Gly26Ala). Algorithms developed to predict the effect of missense changes on protein structure and function are either unavailable or do not agree on the potential impact of this missense change (SIFT: "Deleterious"; PolyPhen-2: "Benign"; Align-GVGD: "Class C0"). In summary, the available evidence is currently insufficient to determine the role of this variant in disease. Therefore, it has been classified as a Variant of Uncertain Significance.

NM_001009999.3(KDM1A):c.77G>C (p.Gly26Ala)

Gene: KDM1A (lysine demethylase 1A; plus strand). Cytogenetic location: 1p36.12.
Variant type: single nucleotide variant.
Coding change: c.77G>C on transcript NM_001009999.3 (MANE Select); coding-DNA position 77, G replaced by C.
Protein change: p.Gly26Ala; replaces glycine 26 with alanine.
Molecular consequence: missense variant.
Genome position (GRCh38, 1-based): chr1:23,019,673, G>C. VCF-style: chr1-23019673-G-C. GRCh37 (hg19) VCF-style: chr1-23346166-G-C.
Other names: c.77G>C, p.Gly26Ala (NM_001363654.2, NM_001410762.1, NM_001410763.1 and 1 more transcripts); c.77G>C (NM_001009999.2); short protein forms G26A.
Identifiers: ClinVar variation 2031330 (VCV002031330.5), dbSNP rs2522470510, ClinGen allele CA338950215.
Genomic context (GRCh38, chr1:23,019,673, plus strand): 5'-AGGCGGCAGCCGCGGCGGCGGCGGCTGCAGCGGCAGCAACCGGGACGGAGGCTGGCCCTG[G>C]GACAGCAGGCGGCTCCGAGAACGGGTCTGAGGTGGCCGCGCAGCCCGCGGGCCTGTCGGG-3'
Protein context (NP_001009999.1, residues 16-36): AAATGTEAGP[Gly26Ala]TAGGSENGSE